The following is an entry in ClinVar:

ClinVar aggregate classification (germline): Benign/Likely benign. Review status: criteria provided, multiple submitters, no conflicts (2 of 4 stars). 3 submissions from 3 submitters: Benign (2); Likely benign (1). Last evaluated 2026-03-11.

Conditions:
Duchenne muscular dystrophy (DMD). Also called: Duchenne Muscular Dystrophy (DMD); MUSCULAR DYSTROPHY, PSEUDOHYPERTROPHIC PROGRESSIVE, DUCHENNE TYPE. Identifiers: Orphanet 98896, MedGen C0013264, MONDO:0010679, OMIM 310200.

Submissions (3):

Women's Health and Genetics/Laboratory Corporation of America, LabCorp
Classification: Benign. Last evaluated: 2026-03-11. Review status: criteria provided, single submitter. Criteria: LabCorp Variant Classification Summary - May 2015. Collection method: clinical testing. Allele origin: germline.
Comment: Variant summary: DMD c.1705-16_1705-14delCTT alters a nucleotide located at a position not widely known to affect splicing. Several computational tools predict a significant impact on normal splicing: Two predict the variant weakens the canonical 3' acceptor site and one predicts the variant abolishes the 3' acceptor site. In contrast, one predicts the variant has no significant impact on splicing. However, these predictions have yet to be confirmed by functional studies. The variant allele was found at a frequency of 8.3e-06 in 1197791 control chromosomes, predominantly at a frequency of 0.00018 within the African or African-American subpopulation in the gnomAD database. The observed variant frequency within African or African-American control individuals in the gnomAD database exceeds the estimated maximal expected allele frequency for disease-causing variants in DMD. To our knowledge, no occurrence of c.1705-16_1705-14delCTT in individuals affected with DMD-related conditions and no experimental evidence demonstrating its impact on protein function have been reported. ClinVar contains an entry for this variant (Variation ID: 2080983). Based on the evidence outlined above, the variant was classified as benign.

Blueprint Genetics
Classification: Likely benign. Last evaluated: 2024-10-29. Review status: criteria provided, single submitter. Criteria: ACMG Guidelines, 2015. Collection method: clinical testing. Allele origin: germline.

Labcorp Genetics (formerly Invitae), Labcorp
Classification: Benign for Duchenne muscular dystrophy. Last evaluated: 2024-07-03. Review status: criteria provided, single submitter. Criteria: Invitae Variant Classification Sherloc (09022015). Collection method: clinical testing. Allele origin: germline.

NM_004006.3(DMD):c.1705-16_1705-14del

Gene: DMD (dystrophin; minus strand). Cytogenetic location: Xp21.1.
Variant type: Deletion.
Coding change: c.1705-16_1705-14del on transcript NM_004006.3 (MANE Select); 16 bases into the intron before coding-DNA position 1705 through 14 bases into the intron before coding-DNA position 1705, 3 bases deleted (CTT; older notation c.1705-16_1705-14delCTT).
Molecular consequence: intron variant.
Genome position (GRCh38, 1-based): chrX:32,573,651-32,573,653, AAG deleted on the plus strand (CTT on the coding strand, the reverse complement: DMD is on the minus strand); deleting any 3 consecutive bases within chrX:32,573,651-32,573,655 gives the same sequence; the c. name uses the placement nearest the transcript's 3' end. VCF-style (leftmost placement, unchanged base first): chrX-32573650-AAAG-A. GRCh37 (hg19) VCF-style: chrX-32591767-AAAG-A.
Other names: c.1705-16_1705-14delCTT (NM_004006.3); c.1681-16_1681-14del (NM_000109.4); c.1693-16_1693-14del (NM_004009.3); c.1336-16_1336-14del (NM_004010.3).
Identifiers: ClinVar variation 2080983 (VCV002080983.6), dbSNP rs760318577, ClinGen allele CA10379750.